The following is an entry in ClinVar:

NC_000006.12:g.43054341C>T

Genes: CUL7 (cullin 7; minus strand), MRPL2 (mitochondrial ribosomal protein L2; minus strand). Cytogenetic location: 6p21.1.
Variant type: single nucleotide variant.
Molecular consequence: missense variant (on NM_015950.5). On other transcripts: 3 prime UTR variant (1).
Genome position: GRCh38 VCF-style: chr6-43054341-C-T. GRCh37 (hg19) VCF-style: chr6-43022079-C-T.
Other names: c.*99G>A (NM_001300848.2); c.851G>A, p.Arg284Gln (NM_015950.5); short protein forms R284Q.
Identifiers: ClinVar variation 1307414 (VCV001307414.2), dbSNP rs747656265, ClinGen allele CA3814567.
Genomic context (GRCh38, chr6:43,054,341, plus strand): 5'-TGGGCAGAAGCAGAAGGCAGCTTCACGTAACTCTTCATGGGGGGTAGTGGCCGAATCTTT[C>T]GGCCAGCCCAGCCCCCCTTGCGGTGCCACCGCCCACTGTTAGGCCTCTTGCCCAGCCAGC-3'

ClinVar aggregate classification (germline): Uncertain significance (1 of 4 stars; one submission).

Allele frequency attached by ClinVar (database versions not stated): gnomAD 0.00001; gnomAD exomes 0.00001; ExAC 0.00002; TOPMed 0.00002.

Submission:

GeneDx
Classification: Uncertain significance. Last evaluated: 2019-08-09. Review status: criteria provided, single submitter. Criteria: GeneDx Variant Classification Process June 2021. Collection method: clinical testing. Allele origin: germline. Affected: yes.
Comment: In silico analysis, which includes protein predictors and evolutionary conservation, supports a deleterious effect; Has not been previously published as pathogenic or benign to our knowledge; Variants in candidate genes are classified as variants of uncertain significance in accordance with ACMG guidelines (Richards et al., 2015)